The following is an entry in ClinVar:

ClinVar aggregate classification (germline): Uncertain significance (1 of 4 stars; one submission).

Conditions:
Autosomal dominant limb-girdle muscular dystrophy type 1G (LGMDD3). Also called: Limb-girdle muscular dystrophy, type 1G; MUSCULAR DYSTROPHY, LIMB-GIRDLE, AUTOSOMAL DOMINANT 3. Identifiers: Orphanet 55596, MedGen C1836765, MONDO:0012193, OMIM 609115.

Allele frequency attached by ClinVar (database versions not stated): gnomAD exomes below 0.00001.

Submission:

Labcorp Genetics (formerly Invitae), Labcorp
Classification: Uncertain significance for Autosomal dominant limb-girdle muscular dystrophy type 1G. Last evaluated: 2023-08-09. Review status: criteria provided, single submitter. Criteria: Invitae Variant Classification Sherloc (09022015). Collection method: clinical testing. Allele origin: germline.
Comment: This variant has not been reported in the literature in individuals affected with HNRNPDL-related conditions. This variant is present in population databases (no rsID available, gnomAD 0.0009%). This sequence change replaces isoleucine, which is neutral and non-polar, with valine, which is neutral and non-polar, at codon 179 of the HNRNPDL protein (p.Ile179Val). An algorithm developed to predict the effect of missense changes on protein structure and function (PolyPhen-2) suggests that this variant is likely to be disruptive. In summary, the available evidence is currently insufficient to determine the role of this variant in disease. Therefore, it has been classified as a Variant of Uncertain Significance.

NM_031372.4(HNRNPDL):c.535A>G (p.Ile179Val)

Gene: HNRNPDL (heterogeneous nuclear ribonucleoprotein D like; minus strand). Cytogenetic location: 4q21.22.
Variant type: single nucleotide variant.
Coding change: c.535A>G on transcript NM_031372.4 (MANE Select); coding-DNA position 535, A replaced by G.
Protein change: p.Ile179Val; replaces isoleucine 179 with valine.
Molecular consequence: missense variant. On other transcripts: non-coding transcript variant (1).
Genome position (GRCh38, 1-based): chr4:82,428,355, T>C on the plus strand (A>G on the coding strand, the complement: HNRNPDL is on the minus strand). VCF-style: chr4-82428355-T-C. GRCh37 (hg19) VCF-style: chr4-83349508-T-C.
Other names: c.535A>G, p.Ile179Val (NM_001207000.1); short protein forms I179V.
Identifiers: ClinVar variation 2747877 (VCV002747877.3), dbSNP rs1396818612, ClinGen allele CA357171405.
Genomic context (GRCh38, chr4:82,428,355, plus strand): 5'-CATCTTTGAAAAGCACAAATCCAAATCCTCTTGATCTCCCAGTGACTGGATCTGTTTTAA[T>C]TGTGCAGTCTACAACTTCCCCAAATCGAGACAAGTACTCTGTCAGATCTTTTTTGCTTGT-3'
Protein context (NP_112740.1, residues 169-189): SRFGEVVDCT[Ile179Val]KTDPVTGRSR